The following is an entry in ClinVar:

ClinVar aggregate classification (germline): Uncertain significance. Review status: criteria provided, multiple submitters, no conflicts (2 of 4 stars). 2 submissions from 2 submitters: Uncertain significance (2). Last evaluated 2024-04-17.

Conditions:
Hereditary cancer-predisposing syndrome. Also called: Neoplastic Syndromes, Hereditary; Tumor predisposition; Hereditary Cancer Syndrome; Hereditary neoplastic syndrome. Identifiers: Orphanet 140162, MedGen C0027672, MeSH D009386, MONDO:0015356.
Familial adenomatous polyposis 1 (FAP1). Also called: FAMILIAL ADENOMATOUS POLYPOSIS 1, ATTENUATED; POLYPOSIS, ADENOMATOUS INTESTINAL. Identifiers: MedGen C2713442, MONDO:0021056, OMIM 175100. Disease mechanism: loss of function.

Submissions (2):

Labcorp Genetics (formerly Invitae), Labcorp
Classification: Uncertain significance for Familial adenomatous polyposis 1. Last evaluated: 2024-04-17. Review status: criteria provided, single submitter. Criteria: Invitae Variant Classification Sherloc (09022015). Collection method: clinical testing. Allele origin: germline.
Comment: This sequence change replaces arginine, which is basic and polar, with glycine, which is neutral and non-polar, at codon 1051 of the APC protein (p.Arg1051Gly). This variant is not present in population databases (gnomAD no frequency). This variant has not been reported in the literature in individuals affected with APC-related conditions. ClinVar contains an entry for this variant (Variation ID: 918791). Advanced modeling of protein sequence and biophysical properties (such as structural, functional, and spatial information, amino acid conservation, physicochemical variation, residue mobility, and thermodynamic stability) performed at Invitae indicates that this missense variant is not expected to disrupt APC protein function with a negative predictive value of 95%. In summary, the available evidence is currently insufficient to determine the role of this variant in disease. Therefore, it has been classified as a Variant of Uncertain Significance.

Color Diagnostics, LLC DBA Color Health
Classification: Uncertain significance for Hereditary cancer-predisposing syndrome. Last evaluated: 2019-06-16. Review status: criteria provided, single submitter. Criteria: ACMG Guidelines, 2015. Collection method: clinical testing. Allele origin: germline.

NM_000038.6(APC):c.3151A>G (p.Arg1051Gly)

Gene: APC (APC regulator of Wnt signaling pathway; plus strand). Cytogenetic location: 5q22.2.
Variant type: single nucleotide variant.
Coding change: c.3151A>G on transcript NM_000038.6 (MANE Select); coding-DNA position 3151, A replaced by G.
Protein change: p.Arg1051Gly; replaces arginine 1051 with glycine.
Molecular consequence: missense variant.
Genome position (GRCh38, 1-based): chr5:112,838,745, A>G. VCF-style: chr5-112838745-A-G. GRCh37 (hg19) VCF-style: chr5-112174442-A-G.
Other names: c.3151A>G, p.Arg1051Gly (NM_001127510.3, NM_001354895.2); c.3097A>G, p.Arg1033Gly (NM_001127511.3); c.3205A>G, p.Arg1069Gly (NM_001354896.2); c.3181A>G, p.Arg1061Gly (NM_001354897.2); c.3076A>G, p.Arg1026Gly (NM_001354898.2); c.3067A>G, p.Arg1023Gly (NM_001354899.2); c.3028A>G, p.Arg1010Gly (NM_001354900.2); c.2974A>G, p.Arg992Gly (NM_001354901.2); and 5 more; short protein forms R1026G, R950G, R960G, R1033G, R1069G, R768G, R1010G, R1023G.
Identifiers: ClinVar variation 918791 (VCV000918791.8), dbSNP rs757981620, ClinGen allele CA16028236.
Genomic context (GRCh38, chr5:112,838,745, plus strand): 5'-TATTCAGATGAGCAGTTGAACTCTGGAAGGCAAAGTCCTTCACAGAATGAAAGATGGGCA[A>G]GACCCAAACACATAATAGAAGATGAAATAAAACAAAGTGAGCAAAGACAATCAAGGAATC-3'
Protein context (NP_000029.2, residues 1041-1061): QSPSQNERWA[Arg1051Gly]PKHIIEDEIK